The following is an entry in ClinVar:

ClinVar aggregate classification (germline): Uncertain significance (1 of 4 stars; one submission).

Conditions:
Danon disease. Also called: PSEUDOGLYCOGENOSIS II; GSD IIb; LYSOSOMAL GLYCOGEN STORAGE DISEASE WITHOUT ACID MALTASE DEFICIENCY; ANTOPOL DISEASE; Glycogen Storage Disease Type IIb. Identifiers: Orphanet 34587, MedGen C0878677, MONDO:0010281, OMIM 300257.

Submission:

Labcorp Genetics (formerly Invitae), Labcorp
Classification: Uncertain significance for Danon disease. Last evaluated: 2022-03-08. Review status: criteria provided, single submitter. Criteria: Invitae Variant Classification Sherloc (09022015). Collection method: clinical testing. Allele origin: germline.
Comment: In summary, the available evidence is currently insufficient to determine the role of this variant in disease. Therefore, it has been classified as a Variant of Uncertain Significance. Algorithms developed to predict the effect of missense changes on protein structure and function are either unavailable or do not agree on the potential impact of this missense change (SIFT: "Deleterious"; PolyPhen-2: "Possibly Damaging"; Align-GVGD: "Class C0"). This variant has not been reported in the literature in individuals affected with LAMP2-related conditions. This variant is not present in population databases (gnomAD no frequency). This sequence change replaces asparagine, which is neutral and polar, with aspartic acid, which is acidic and polar, at codon 307 of the LAMP2 protein (p.Asn307Asp).

NM_002294.3(LAMP2):c.919A>G (p.Asn307Asp)

Gene: LAMP2 (lysosome associated membrane protein 2; minus strand). Cytogenetic location: Xq24.
Variant type: single nucleotide variant.
Coding change: c.919A>G on transcript NM_002294.3 (MANE Select); coding-DNA position 919, A replaced by G.
Protein change: p.Asn307Asp; replaces asparagine 307 with aspartic acid.
Molecular consequence: missense variant.
Genome position (GRCh38, 1-based): chrX:120,442,608, T>C on the plus strand (A>G on the coding strand, the complement: LAMP2 is on the minus strand). VCF-style: chrX-120442608-T-C. GRCh37 (hg19) VCF-style: chrX-119576463-T-C.
Other names: c.919A>G, p.Asn307Asp (NM_001122606.1, NM_013995.2); short protein forms N307D.
Identifiers: ClinVar variation 1521589 (VCV001521589.6), dbSNP rs2147279488, ClinGen allele CA414400281.